The following is an entry in ClinVar:

ClinVar aggregate classification (germline): Uncertain significance. Review status: criteria provided, multiple submitters, no conflicts (2 of 4 stars). 2 submissions from 2 submitters: Uncertain significance (2). Last evaluated 2025-05-17.

Conditions:
Fanconi anemia complementation group P. Also called: SLX4-Related Fanconi Anemia. Identifiers: Orphanet 84, MedGen C3469542, MONDO:0013499, OMIM 613951.
Fanconi anemia (FA). Also called: Fanconi's anemia. Identifiers: Orphanet 84, MedGen C0015625, MeSH D005199, MONDO:0019391.

Allele frequency attached by ClinVar (database versions not stated): gnomAD exomes 0.00003; TOPMed 0.00004; ESP Exome Variant Server 0.00008.
gnomAD v4.1: 31 of 1,614,048 alleles (0.0019%); highest among the groups gnomAD compares: African/African-American, 0.0067%; no homozygotes.

Submissions (2):

Labcorp Genetics (formerly Invitae), Labcorp
Classification: Uncertain significance for Fanconi anemia. Last evaluated: 2025-05-17. Review status: criteria provided, single submitter. Criteria: Invitae Variant Classification Sherloc (09022015). Collection method: clinical testing. Allele origin: germline.
Comment: This sequence change replaces proline, which is neutral and non-polar, with leucine, which is neutral and non-polar, at codon 1503 of the SLX4 protein (p.Pro1503Leu). This variant is present in population databases (rs370637700, gnomAD 0.007%). This variant has not been reported in the literature in individuals affected with SLX4-related conditions. ClinVar contains an entry for this variant (Variation ID: 1023165). An algorithm developed to predict the effect of missense changes on protein structure and function outputs the following: PolyPhen-2: "Benign". The leucine amino acid residue is found in multiple mammalian species, which suggests that this missense change does not adversely affect protein function. In summary, the available evidence is currently insufficient to determine the role of this variant in disease. Therefore, it has been classified as a Variant of Uncertain Significance.

Fulgent Genetics
Classification: Uncertain significance for Fanconi anemia complementation group P. Last evaluated: 2022-01-01. Review status: criteria provided, single submitter. Criteria: ACMG Guidelines, 2015. Collection method: clinical testing. Allele origin: unknown.

NM_032444.4(SLX4):c.4508C>T (p.Pro1503Leu)

Gene: SLX4 (SLX4 structure-specific endonuclease subunit; minus strand). Cytogenetic location: 16p13.3.
Variant type: single nucleotide variant.
Coding change: c.4508C>T on transcript NM_032444.4 (MANE Select); coding-DNA position 4508, C replaced by T.
Protein change: p.Pro1503Leu; replaces proline 1503 with leucine.
Molecular consequence: missense variant.
Genome position (GRCh38, 1-based): chr16:3,589,130, G>A on the plus strand (C>T on the coding strand, the complement: SLX4 is on the minus strand). VCF-style: chr16-3589130-G-A. GRCh37 (hg19) VCF-style: chr16-3639131-G-A.
Other names: short protein forms P1503L.
Identifiers: ClinVar variation 1023165 (VCV001023165.8), dbSNP rs370637700, ClinGen allele CA7865617.
Genomic context (GRCh38, chr16:3,589,130, plus strand): 5'-TCTGGAGGCCTCTGCTCTTCCCCGTCCCAAACGTCCCACAGAGCCGAATTCAGAAAGCTC[G>A]GCCTGCTATTCCCCAGGGAGCCCGCGCCCGAGGACTTCTCTTGCAATTTCCTCTGGGTAG-3'
Protein context (NP_115820.2, residues 1493-1513): SGAGSLGNSR[Pro1503Leu]SFLNSALWDV